The following is an entry in ClinVar:

NM_033380.3(COL4A5):c.413dup (p.Pro140fs)

Gene: COL4A5 (collagen type IV alpha 5 chain; plus strand). Cytogenetic location: Xq22.3.
Variant type: Duplication.
Coding change: c.413dup on transcript NM_033380.3 (MANE Select); coding-DNA position 413, one base duplicated (G; older notation c.413dupG).
Protein change: p.Pro140fs; shifts the reading frame from proline 140.
Molecular consequence: frameshift variant.
Genome position (GRCh38, 1-based): chrX:108,571,441, G duplicated; the last of 2 consecutive G bases (chrX:108,571,440-108,571,441); duplicating either gives the same sequence. VCF-style (leftmost placement, unchanged base first): chrX-108571439-C-CG. GRCh37 (hg19) VCF-style: chrX-107814669-C-CG.
Other names: c.413dup, p.Pro140fs (NM_000495.5); short protein forms P140fs.
Identifiers: ClinVar variation 5012047 (VCV005012047.1).

ClinVar aggregate classification (germline): Pathogenic (1 of 4 stars; one submission).

Conditions:
X-linked Alport syndrome (ATS1). Also called: NEPHROPATHY AND DEAFNESS, X-LINKED; COL4A5-Related Nephropathy. Identifiers: Orphanet 63, Orphanet 88917, MedGen C4746986, MONDO:0010520, OMIM 301050.

Submission:

Myriad Genetics, Inc.
Classification: Pathogenic for X-linked Alport syndrome. Last evaluated: 2023-09-27. Review status: criteria provided, single submitter. Criteria: Myriad Autosomal Dominant, Autosomal Recessive and X-Linked Classification Criteria (2023). Collection method: clinical testing. Allele origin: unknown.
Comment: NM_000495.4(COL4A5):c.413dupG(P140Sfs*18) is expected to be pathogenic in the context of X-linked Alport syndrome. This variant is predicted to lead to an abnormal or absent protein product due to the creation of a premature termination codon in COL4A5, a gene where loss-of-function variants are known to be pathogenic. Please note: this variant was assessed in the context of healthy population screening.